The following is an entry in ClinVar:

NM_004247.4(EFTUD2):c.1771G>A (p.Ala591Thr)

Gene: EFTUD2 (elongation factor Tu GTP binding domain containing 2; minus strand). Cytogenetic location: 17q21.31.
Variant type: single nucleotide variant.
Coding change: c.1771G>A on transcript NM_004247.4 (MANE Select); coding-DNA position 1771, G replaced by A.
Protein change: p.Ala591Thr; replaces alanine 591 with threonine.
Molecular consequence: missense variant.
Genome position (GRCh38, 1-based): chr17:44,859,994, C>T on the plus strand (G>A on the coding strand, the complement: EFTUD2 is on the minus strand). VCF-style: chr17-44859994-C-T. GRCh37 (hg19) VCF-style: chr17-42937362-C-T.
Other names: c.1666G>A, p.Ala556Thr (NM_001142605.2); c.1771G>A, p.Ala591Thr (NM_001258353.2); c.1741G>A, p.Ala581Thr (NM_001258354.2); short protein forms A556T, A581T, A591T.
Identifiers: ClinVar variation 1718149 (VCV001718149.6), dbSNP rs2508751631, ClinGen allele CA399812009.

ClinVar aggregate classification (germline): Uncertain significance. Review status: criteria provided, multiple submitters, no conflicts (2 of 4 stars). 2 submissions from 2 submitters: Uncertain significance (2). Last evaluated 2025-03-05.

Allele frequency attached by ClinVar (database versions not stated): gnomAD exomes below 0.00001.
gnomAD v4.1: 1 of 1,614,174 alleles (0.000062%); highest among the groups gnomAD compares: Non-Finnish European, 0.000085%; no homozygotes.

Submissions (2):

Women's Health and Genetics/Laboratory Corporation of America, LabCorp
Classification: Uncertain significance. Last evaluated: 2025-03-05. Review status: criteria provided, single submitter. Criteria: LabCorp Variant Classification Summary - May 2015. Collection method: clinical testing. Allele origin: germline.
Comment: Variant summary: EFTUD2 c.1771G>A (p.Ala591Thr) results in a non-conservative amino acid change in the encoded protein sequence. Five of five in-silico tools predict a damaging effect of the variant on protein function. The variant was absent in 251464 control chromosomes. The available data on variant occurrences in the general population are insufficient to allow any conclusion about variant significance. To our knowledge, no occurrence of c.1771G>A in individuals affected with Mandibulofacial Dysostosis-Microcephaly Syndrome and no experimental evidence demonstrating its impact on protein function have been reported. ClinVar contains an entry for this variant (Variation ID: 1718149). Based on the evidence outlined above, the variant was classified as uncertain significance.

Labcorp Genetics (formerly Invitae), Labcorp
Classification: Uncertain significance. Last evaluated: 2022-08-27. Review status: criteria provided, single submitter. Criteria: Invitae Variant Classification Sherloc (09022015). Collection method: clinical testing. Allele origin: germline.
Comment: Algorithms developed to predict the effect of missense changes on protein structure and function (SIFT, PolyPhen-2, Align-GVGD) all suggest that this variant is likely to be disruptive. This variant has not been reported in the literature in individuals affected with EFTUD2-related conditions. In summary, the available evidence is currently insufficient to determine the role of this variant in disease. Therefore, it has been classified as a Variant of Uncertain Significance. This sequence change replaces alanine, which is neutral and non-polar, with threonine, which is neutral and polar, at codon 591 of the EFTUD2 protein (p.Ala591Thr). This variant is not present in population databases (gnomAD no frequency).